The following is an entry in ClinVar:

NM_005909.5(MAP1B):c.3058G>T (p.Ala1020Ser)

Gene: MAP1B (microtubule associated protein 1B; plus strand). Cytogenetic location: 5q13.2.
Variant type: single nucleotide variant.
Coding change: c.3058G>T on transcript NM_005909.5 (MANE Select); coding-DNA position 3058, G replaced by T.
Protein change: p.Ala1020Ser; replaces alanine 1020 with serine.
Molecular consequence: missense variant.
Genome position (GRCh38, 1-based): chr5:72,196,413, G>T. VCF-style: chr5-72196413-G-T. GRCh37 (hg19) VCF-style: chr5-71492240-G-T.
Other names: c.2680G>T, p.Ala894Ser (NM_001324255.2); short protein forms A1020S, A894S.
Identifiers: ClinVar variation 3349982 (VCV003349982.1).

ClinVar aggregate classification (germline): Uncertain significance (0 of 4 stars; one submission).

Conditions:
MAP1B-related disorder. Also called: MAP1B-related condition.

Submission:

PreventionGenetics, part of Exact Sciences
Classification: Uncertain significance for MAP1B-related condition. Last evaluated: 2024-03-18. Review status: no assertion criteria provided. Collection method: clinical testing. Allele origin: germline.
Comment: The MAP1B c.3058G>T variant is predicted to result in the amino acid substitution p.Ala1020Ser. To our knowledge, this variant has not been reported in the literature or in a large population database, indicating this variant is rare. At this time, the clinical significance of this variant is uncertain due to the absence of conclusive functional and genetic evidence.